The following is an entry in ClinVar:

NM_002691.4(POLD1):c.1242+1_1242+2insGTCTGGGCCCGAGAGA

Gene: POLD1 (DNA polymerase delta 1, catalytic subunit; plus strand). Cytogenetic location: 19q13.33.
Variant type: Insertion.
Coding change: c.1242+1_1242+2insGTCTGGGCCCGAGAGA on transcript NM_002691.4 (MANE Select); the canonical splice donor site of the intron after coding-DNA position 1242, GTCTGGGCCCGAGAGA inserted.
Molecular consequence: splice donor variant.
Genome position: GRCh38 VCF-style: chr19-50403598-G-GGTCTGGGCCCGAGAGA. GRCh37 (hg19) VCF-style: chr19-50906855-G-GGTCTGGGCCCGAGAGA.
Other names: c.1242+1_1242+2insGTCTGGGCCCGAGAGA (NM_001256849.1, NM_001308632.1).
Identifiers: ClinVar variation 1692703 (VCV001692703.1), dbSNP rs2122279904, ClinGen allele CA2573156580.

ClinVar aggregate classification (germline): Uncertain significance (1 of 4 stars; one submission).

Conditions:
Hereditary cancer-predisposing syndrome. Also called: Hereditary Cancer Syndrome; Hereditary neoplastic syndrome; Neoplastic Syndromes, Hereditary; Tumor predisposition. Identifiers: Orphanet 140162, MedGen C0027672, MeSH D009386, MONDO:0015356.

Submission:

Sema4
Classification: Uncertain significance for Hereditary cancer-predisposing syndrome. Last evaluated: 2021-06-04. Review status: criteria provided, single submitter. Criteria: Sema4 Curation Guidelines. Collection method: curation. Allele origin: germline.
Comment: The POLD1 c.1242+1_1242+2insGTCTGGGCCCGAGAGA variant has not been reported in the literature to our knowledge. This variant affects a nucleotide within a consensus splice site of an intron. This variant may cause exon skipping, intron retention or use of a cryptic splice site. Loss of function has not been established as a mechanism of disease for the POLD1 gene. It was not observed in the large and broad cohorts of the Genome Aggregation Database (PMID: 32461654). The variant has not been reported in ClinVar. The evidence is insufficient to meet ACMG/AMP criteria for classifying the variant as benign or pathogenic. Thus, the clinical significance of this variant is currently uncertain.